The following is an entry in ClinVar:

ClinVar aggregate classification (germline): Pathogenic/Likely pathogenic. Review status: criteria provided, multiple submitters, no conflicts (2 of 4 stars). 9 submissions from 9 submitters: Pathogenic (7); Likely pathogenic (1). 1 of the submissions does not count toward it. Last evaluated 2026-09-28.

Conditions:
Zellweger spectrum disorders (ZS). Also called: Zellweger Spectrum Disorder; Zellweger Spectrum; Zellweger syndrome; Zellweger Spectrum Disorder (ZSD). Identifiers: Orphanet 912, MedGen C0043459, MONDO:0019609.
Peroxisome biogenesis disorder 1A (Zellweger) (PBD1A). Also called: Zellweger leukodystrophy; Peroxisome biogenesis disorder 1a. Identifiers: MedGen C4721541, MONDO:0008953, OMIM 214100.
Peroxisome biogenesis disorder 1B (PBD1B). Also called: Infantile Refsum disease; Infantile form of phytanic acid storage disease; PEROXISOME BIOGENESIS DISORDER (NEONATAL ADRENOLEUKODYSTROPHY/INFANTILE REFSUM DISEASE); INFANTILE PHYTANIC ACID STORAGE DISEASE; PEROXISOME BIOGENESIS DISORDER (NALD/IRD); ADRENOLEUKODYSTROPHY, AUTOSOMAL NEONATAL. Identifiers: Orphanet 44, MedGen C0282527, MONDO:0011101, OMIM 601539.
PEX1-related disorder. Also called: PEX1-related condition.

Allele frequency attached by ClinVar (database versions not stated): gnomAD exomes below 0.00001; TOPMed 0.00001.
gnomAD v4.1: 6 of 1,613,342 alleles (0.00037%); highest among the groups gnomAD compares: East Asian, 0.0022%; no homozygotes.

Submissions (9):

Department of Molecular Genetics, Istishari Arab Hospital
Classification: Pathogenic for Peroxisome biogenesis disorder 1A (Zellweger). Last evaluated: 2026-09-28. Review status: criteria provided, single submitter. Criteria: ACMG Guidelines, 2015. Collection method: clinical testing. Allele origin: germline. Inheritance: Autosomal recessive inheritance. Affected: no.
Comment: The PEX1 variant c.403C>T p.(Arg135*) is a nonsense variant located in exon 4 (of 24) that is predicted to create a premature stop codon and therefore produce a truncated protein. This variant has previously been described, in homozygosity, in patients with Zellweger syndrome (PMID: 32056211, 32214227). It is classified as pathogenic (class 1) according to the recommendations of ACMG.

GeneDx
Classification: Pathogenic. Last evaluated: 2026-03-28. Review status: criteria provided, single submitter. Criteria: GeneDx Variant Classification Process June 2021. Collection method: clinical testing. Allele origin: germline.
Comment: Nonsense variant predicted to result in protein truncation or nonsense mediated decay in a gene for which loss of function is a known mechanism of disease; Not observed at significant frequency in large population cohorts (gnomAD); This variant is associated with the following publications: (PMID: 32214227, 32056211)

Natera, Inc.
Classification: Pathogenic for Zellweger syndrome. Last evaluated: 2025-03-24. Review status: criteria provided, single submitter. Criteria: Natera Variant Classification Schema (03/2026). Collection method: clinical testing. Allele origin: germline.
Comment: The c.403C>T variant in PEX1 is a nonsense variant predicted to introduce a stop codon at amino acid 135. This variant is expected to result in nonsense mediated decay, truncation, or a dysfunctional protein product. This variant is rare in the general population with a frequency below the threshold expected for the associated phenotype(s). This variant has been observed in one or more individuals affected with the associated recessive disease, as either homozygous or compound heterozygous with a second variant (PMID: 32056211). Given the available evidence, this variant is classified as Pathogenic.

Genomic Medicine Center of Excellence, King Faisal Specialist Hospital and Research Centre
Classification: Pathogenic for Peroxisome biogenesis disorder 1A (Zellweger). Last evaluated: 2024-03-26. Review status: criteria provided, single submitter. Criteria: ACMG Guidelines, 2015. Collection method: clinical testing. Allele origin: germline.

Revvity Omics, Revvity
Classification: Pathogenic. Last evaluated: 2023-01-24. Review status: criteria provided, single submitter. Criteria: ACMG Guidelines, 2015. Collection method: clinical testing. Allele origin: germline.

Labcorp Genetics (formerly Invitae), Labcorp
Classification: Pathogenic for Zellweger spectrum disorders. Last evaluated: 2022-10-28. Review status: criteria provided, single submitter. Criteria: Invitae Variant Classification Sherloc (09022015). Collection method: clinical testing. Allele origin: germline.
Comment: This premature translational stop signal has been observed in individual(s) with clinical features Zellweger spectrum disorder (PMID: 32056211, 32214227). This variant is not present in population databases (gnomAD no frequency). This sequence change creates a premature translational stop signal (p.Arg135*) in the PEX1 gene. It is expected to result in an absent or disrupted protein product. Loss-of-function variants in PEX1 are known to be pathogenic (PMID: 9398847, 16086329, 16141001, 21031596, 26387595, 31831025). ClinVar contains an entry for this variant (Variation ID: 810635). For these reasons, this variant has been classified as Pathogenic.

Blueprint Genetics
Classification: Likely pathogenic for PEX1-related disorders. Last evaluated: 2021-12-23. Review status: criteria provided, single submitter. Criteria: ACMG Guidelines, 2015. Collection method: clinical testing. Allele origin: germline. Affected: yes. Observed: 1 variant allele.

Baylor Genetics
Classification: Pathogenic for Peroxisome biogenesis disorder 1A (Zellweger); Peroxisome biogenesis disorder 1B. Review status: criteria provided, single submitter. Criteria: ACMG Guidelines, 2015. Collection method: clinical testing. Allele origin: germline.

Section for Clinical Neurogenetics, University of Tübingen
Classification: Likely pathogenic for Peroxisome biogenesis disorder 1A (Zellweger). Last evaluated: 2019-08-01. Review status: no assertion criteria provided. Collection method: research. Allele origin: germline. Affected: yes. Not counted in ClinVar's aggregate classification.

Literature cited by the submitters: PubMed 32056211 (cited by 3 submitters); PubMed 32214227 (cited by 3 submitters); PubMed 9398847 (cited by Labcorp Genetics (formerly Invitae), Labcorp); PubMed 16086329 (cited by Labcorp Genetics (formerly Invitae), Labcorp); PubMed 16141001 (cited by Labcorp Genetics (formerly Invitae), Labcorp); PubMed 21031596 (cited by Labcorp Genetics (formerly Invitae), Labcorp); PubMed 26387595 (cited by Labcorp Genetics (formerly Invitae), Labcorp); PubMed 31831025 (cited by Labcorp Genetics (formerly Invitae), Labcorp).

NM_000466.3(PEX1):c.403C>T (p.Arg135Ter)

Gene: PEX1 (peroxisomal biogenesis factor 1; minus strand). Cytogenetic location: 7q21.2.
Variant type: single nucleotide variant.
Coding change: c.403C>T on transcript NM_000466.3 (MANE Select); coding-DNA position 403, C replaced by T.
Protein change: p.Arg135Ter; replaces arginine 135 with a stop codon.
Molecular consequence: nonsense. On other transcripts: 5 prime UTR variant (1).
Genome position (GRCh38, 1-based): chr7:92,518,210, G>A on the plus strand (C>T on the coding strand, the complement: PEX1 is on the minus strand). VCF-style: chr7-92518210-G-A. GRCh37 (hg19) VCF-style: chr7-92147524-G-A.
Other names: p.(Arg135*); c.403C>T, p.Arg135Ter (NM_001282677.2); c.-222C>T (NM_001282678.2); short protein forms R135*.
Identifiers: ClinVar variation 810635 (VCV000810635.16), dbSNP rs201415996, ClinGen allele CA161974140.